The following is an entry in ClinVar:

ClinVar aggregate classification (germline): Uncertain significance (1 of 4 stars; one submission).

Submission:

Labcorp Genetics (formerly Invitae), Labcorp
Classification: Uncertain significance. Last evaluated: 2022-07-28. Review status: criteria provided, single submitter. Criteria: Invitae Variant Classification Sherloc (09022015). Collection method: clinical testing. Allele origin: germline.
Comment: Algorithms developed to predict the effect of missense changes on protein structure and function are either unavailable or do not agree on the potential impact of this missense change (SIFT: "Not Available"; PolyPhen-2: "Possibly Damaging"; Align-GVGD: "Not Available"). In summary, the available evidence is currently insufficient to determine the role of this variant in disease. Therefore, it has been classified as a Variant of Uncertain Significance. This variant has not been reported in the literature in individuals affected with RSPO1-related conditions. This variant is not present in population databases (gnomAD no frequency). This sequence change replaces glutamic acid, which is acidic and polar, with lysine, which is basic and polar, at codon 149 of the RSPO1 protein (p.Glu149Lys).

NM_001242908.2(RSPO1):c.445G>A (p.Glu149Lys)

Gene: RSPO1 (R-spondin 1; minus strand). Cytogenetic location: 1p34.3.
Variant type: single nucleotide variant.
Coding change: c.445G>A on transcript NM_001242908.2 (MANE Select); coding-DNA position 445, G replaced by A.
Protein change: p.Glu149Lys; replaces glutamic acid 149 with lysine.
Molecular consequence: missense variant. On other transcripts: intron variant (1).
Genome position (GRCh38, 1-based): chr1:37,613,884, C>T on the plus strand (G>A on the coding strand, the complement: RSPO1 is on the minus strand). VCF-style: chr1-37613884-C-T. GRCh37 (hg19) VCF-style: chr1-38079556-C-T.
Other names: c.445G>A, p.Glu149Lys (NM_001038633.4); c.364G>A, p.Glu122Lys (NM_001242909.2); c.436+300G>A (NM_001242910.2); short protein forms E122K, E149K.
Identifiers: ClinVar variation 1714037 (VCV001714037.5), dbSNP rs2522587552, ClinGen allele CA339460202.